The following is an entry in ClinVar:

NM_014159.7(SETD2):c.7030G>T (p.Val2344Leu)

Gene: SETD2 (SET domain containing 2, histone lysine methyltransferase; minus strand). Cytogenetic location: 3p21.31.
Variant type: single nucleotide variant.
Coding change: c.7030G>T on transcript NM_014159.7 (MANE Select); coding-DNA position 7030, G replaced by T.
Protein change: p.Val2344Leu; replaces valine 2344 with leucine.
Molecular consequence: missense variant. On other transcripts: non-coding transcript variant (1).
Genome position (GRCh38, 1-based): chr3:47,046,555, C>A on the plus strand (G>T on the coding strand, the complement: SETD2 is on the minus strand). VCF-style: chr3-47046555-C-A. GRCh37 (hg19) VCF-style: chr3-47088045-C-A.
Other names: c.6898G>T, p.Val2300Leu (NM_001349370.3); short protein forms V2300L, V2344L.
Identifiers: ClinVar variation 1310945 (VCV001310945.2), dbSNP rs754588966, ClinGen allele CA352515599.

ClinVar aggregate classification (germline): Uncertain significance (1 of 4 stars; one submission).

Submission:

GeneDx
Classification: Uncertain significance. Last evaluated: 2019-12-02. Review status: criteria provided, single submitter. Criteria: GeneDx Variant Classification Process June 2021. Collection method: clinical testing. Allele origin: germline. Affected: yes.
Comment: Not observed in large population cohorts (Lek et al., 2016); In silico analysis, which includes protein predictors and evolutionary conservation, supports that this variant does not alter protein structure/function; Has not been previously published as pathogenic or benign to our knowledge